The following is an entry in ClinVar:

NM_002693.3(POLG):c.3169A>G (p.Met1057Val)

Gene: POLG (DNA polymerase gamma, catalytic subunit; minus strand). Cytogenetic location: 15q26.1.
Variant type: single nucleotide variant.
Coding change: c.3169A>G on transcript NM_002693.3 (MANE Select); coding-DNA position 3169, A replaced by G.
Protein change: p.Met1057Val; replaces methionine 1057 with valine.
Molecular consequence: missense variant.
Genome position (GRCh38, 1-based): chr15:89,319,035, T>C on the plus strand (A>G on the coding strand, the complement: POLG is on the minus strand). VCF-style: chr15-89319035-T-C. GRCh37 (hg19) VCF-style: chr15-89862266-T-C.
Other names: c.3169A>G, p.Met1057Val (NM_001126131.2); short protein forms M1057V.
Identifiers: ClinVar variation 2703917 (VCV002703917.3), dbSNP rs2509207599, ClinGen allele CA393750894.

ClinVar aggregate classification (germline): Uncertain significance (1 of 4 stars; one submission).

Conditions:
Progressive sclerosing poliodystrophy (MTDPS4A). Also called: ALPERS PROGRESSIVE INFANTILE POLIODYSTROPHY; NEURONAL DEGENERATION OF CHILDHOOD WITH LIVER DISEASE, PROGRESSIVE; Mitochondrial DNA depletion syndrome 4A (Alpers type); Mitochondrial DNA Depletion Syndrome 4A; Alpers-Huttenlocher Syndrome (AHS); Alpers Syndrome. Identifiers: Orphanet 726, MedGen C0205710, MONDO:0008758, OMIM 203700.

Allele frequency attached by ClinVar (database versions not stated): gnomAD exomes below 0.00001.

Submission:

Labcorp Genetics (formerly Invitae), Labcorp
Classification: Uncertain significance for Progressive sclerosing poliodystrophy. Last evaluated: 2023-12-18. Review status: criteria provided, single submitter. Criteria: Invitae Variant Classification Sherloc (09022015). Collection method: clinical testing. Allele origin: germline.
Comment: This sequence change replaces methionine, which is neutral and non-polar, with valine, which is neutral and non-polar, at codon 1057 of the POLG protein (p.Met1057Val). This variant is not present in population databases (gnomAD no frequency). This variant has not been reported in the literature in individuals affected with POLG-related conditions. Advanced modeling of protein sequence and biophysical properties (such as structural, functional, and spatial information, amino acid conservation, physicochemical variation, residue mobility, and thermodynamic stability) has been performed at Invitae for this missense variant, however the output from this modeling did not meet the statistical confidence thresholds required to predict the impact of this variant on POLG protein function. In summary, the available evidence is currently insufficient to determine the role of this variant in disease. Therefore, it has been classified as a Variant of Uncertain Significance.